The following is an entry in ClinVar:

NM_005529.7(HSPG2):c.449T>A (p.Val150Glu)

Gene: HSPG2 (heparan sulfate proteoglycan 2; minus strand). Cytogenetic location: 1p36.12.
Variant type: single nucleotide variant.
Coding change: c.449T>A on transcript NM_005529.7 (MANE Select); coding-DNA position 449, T replaced by A.
Protein change: p.Val150Glu; replaces valine 150 with glutamic acid.
Molecular consequence: missense variant.
Genome position (GRCh38, 1-based): chr1:21,890,106, A>T on the plus strand (T>A on the coding strand, the complement: HSPG2 is on the minus strand). VCF-style: chr1-21890106-A-T. GRCh37 (hg19) VCF-style: chr1-22216599-A-T.
Other names: c.449T>A, p.Val150Glu (NM_001291860.2); c.449T>A (NM_005529.5); short protein forms V150E.
Identifiers: ClinVar variation 1987772 (VCV001987772.6), dbSNP rs1270390960, ClinGen allele CA338896361.
Genomic context (GRCh38, chr1:21,890,106, plus strand): 5'-GAGATGACCCTGAGCAGCATCTCCTGAATCTGAGCCCCATCCGCATTCCCTTCCGAGCCC[A>T]CATCCAGCTCCACAAAAACCCAGCCATCCAGCTCCCTGGGGATGGAGACAGGCAGGAGAG-3'
Protein context (NP_005520.4, residues 140-160): LDGWVFVELD[Val150Glu]GSEGNADGAQ

ClinVar aggregate classification (germline): Uncertain significance. Review status: criteria provided, multiple submitters, no conflicts (2 of 4 stars). 3 submissions from 3 submitters: Uncertain significance (3). Last evaluated 2025-11-11.

Conditions:
Inborn genetic diseases. Identifiers: MedGen C0950123, MeSH D030342.

Allele frequency attached by ClinVar (database versions not stated): TOPMed below 0.00001; gnomAD 0.00001; gnomAD exomes 0.00002.
gnomAD v4.1: 15 of 1,613,968 alleles (0.00093%); highest among the groups gnomAD compares: Non-Finnish European, 0.0012%; no homozygotes.

Submissions (3):

Ambry Genetics
Classification: Uncertain significance for Inborn genetic diseases. Last evaluated: 2025-11-11. Review status: criteria provided, single submitter. Criteria: Ambry Variant Classification Scheme 2023. Collection method: clinical testing. Allele origin: germline.

GeneDx
Classification: Uncertain significance. Last evaluated: 2025-05-29. Review status: criteria provided, single submitter. Criteria: GeneDx Variant Classification Process June 2021. Collection method: clinical testing. Allele origin: germline. Affected: yes.
Comment: Not observed at significant frequency in large population cohorts (gnomAD); In silico analysis supports that this missense variant has a deleterious effect on protein structure/function; Has not been previously published as pathogenic or benign to our knowledge

Labcorp Genetics (formerly Invitae), Labcorp
Classification: Uncertain significance. Last evaluated: 2022-07-16. Review status: criteria provided, single submitter. Criteria: Invitae Variant Classification Sherloc (09022015). Collection method: clinical testing. Allele origin: germline.
Comment: Algorithms developed to predict the effect of missense changes on protein structure and function are either unavailable or do not agree on the potential impact of this missense change (SIFT: "Deleterious"; PolyPhen-2: "Probably Damaging"; Align-GVGD: "Class C0"). In summary, the available evidence is currently insufficient to determine the role of this variant in disease. Therefore, it has been classified as a Variant of Uncertain Significance. This variant has not been reported in the literature in individuals affected with HSPG2-related conditions. This variant is present in population databases (no rsID available, gnomAD 0.002%). This sequence change replaces valine, which is neutral and non-polar, with glutamic acid, which is acidic and polar, at codon 150 of the HSPG2 protein (p.Val150Glu).